The following is an entry in ClinVar:

ClinVar aggregate classification (germline): Uncertain significance (1 of 4 stars; one submission).

Conditions:
Bardet-Biedl syndrome (BBS). Identifiers: Orphanet 110, MedGen C0752166, MONDO:0015229.

Submission:

Labcorp Genetics (formerly Invitae), Labcorp
Classification: Uncertain significance for Bardet-Biedl syndrome. Last evaluated: 2023-08-09. Review status: criteria provided, single submitter. Criteria: Invitae Variant Classification Sherloc (09022015). Collection method: clinical testing. Allele origin: germline.
Comment: In summary, the available evidence is currently insufficient to determine the role of this variant in disease. Therefore, it has been classified as a Variant of Uncertain Significance. Advanced modeling of protein sequence and biophysical properties (such as structural, functional, and spatial information, amino acid conservation, physicochemical variation, residue mobility, and thermodynamic stability) performed at Invitae indicates that this missense variant is not expected to disrupt BBS4 protein function. ClinVar contains an entry for this variant (Variation ID: 1716555). This variant has not been reported in the literature in individuals affected with BBS4-related conditions. This variant is not present in population databases (gnomAD no frequency). This sequence change replaces glutamic acid, which is acidic and polar, with valine, which is neutral and non-polar, at codon 189 of the BBS4 protein (p.Glu189Val).

NM_033028.5(BBS4):c.566A>T (p.Glu189Val)

Gene: BBS4 (Bardet-Biedl syndrome 4; plus strand). Cytogenetic location: 15q24.1.
Variant type: single nucleotide variant.
Coding change: c.566A>T on transcript NM_033028.5 (MANE Select); coding-DNA position 566, A replaced by T.
Protein change: p.Glu189Val; replaces glutamic acid 189 with valine.
Molecular consequence: missense variant. On other transcripts: non-coding transcript variant (2).
Genome position (GRCh38, 1-based): chr15:72,724,634, A>T. VCF-style: chr15-72724634-A-T. GRCh37 (hg19) VCF-style: chr15-73016975-A-T.
Other names: c.50A>T, p.Glu17Val (NM_001252678.2); c.566A>T, p.Glu189Val (NM_001320665.2); short protein forms E17V, E189V.
Identifiers: ClinVar variation 1716555 (VCV001716555.5), dbSNP rs2542974131, ClinGen allele CA393076624.